The following is an entry in ClinVar:

NM_000540.3(RYR1):c.5749G>T (p.Glu1917Ter)

Gene: RYR1 (ryanodine receptor 1; plus strand). Cytogenetic location: 19q13.2.
Variant type: single nucleotide variant.
Coding change: c.5749G>T on transcript NM_000540.3 (MANE Select); coding-DNA position 5749, G replaced by T.
Protein change: p.Glu1917Ter; replaces glutamic acid 1917 with a stop codon.
Molecular consequence: nonsense.
Genome position (GRCh38, 1-based): chr19:38,489,378, G>T. VCF-style: chr19-38489378-G-T. GRCh37 (hg19) VCF-style: chr19-38980018-G-T.
Other names: c.5749G>T, p.Glu1917Ter (NM_001042723.2); short protein forms E1917*.
Identifiers: ClinVar variation 863646 (VCV000863646.11), dbSNP rs781075511, ClinGen allele CA067425.
Genomic context (GRCh38, chr19:38,489,378, plus strand): 5'-GAGGAAACAGCACAGGAAAAGGAAGATGAGGAAAAAGAGGAAGAGGAGGCAGCAGAAGGG[G>T]AGAAAGAAGAAGGCTTGGAGGAAGGGCTGCTCCAGATGAAGTTGCCAGAGTCTGTGAAGT-3'

ClinVar aggregate classification (germline): Conflicting classifications of pathogenicity. Review status: criteria provided, conflicting classifications (1 of 4 stars). 3 submissions from 3 submitters: Pathogenic (1); Uncertain significance (2). Last evaluated 2023-11-20.

Conditions:
RYR1-related disorder. Also called: RYR1-related disorders; RYR1-related condition. Identifiers: MedGen CN239331.
Malignant hyperthermia, susceptibility to, 1 (MHS1). Also called: Anesthesia related hyperthermia; Malignant hyperpyrexia; Fulminating hyperpyrexia; Pharmacogenic myopathy; Malignant hyperthermia suceptibility 1; RYR1-Related Malignant Hyperthermia Susceptibility. Identifiers: Orphanet 423, MedGen C2930980, MONDO:0007783, OMIM 145600.

Allele frequency attached by ClinVar (database versions not stated): ExAC 0.00001; gnomAD exomes below 0.00001.
gnomAD v4.1: 4 of 1,614,070 alleles (0.00025%); highest among the groups gnomAD compares: Non-Finnish European, 0.00025%; no homozygotes.

Submissions (3):

All of Us Research Program, National Institutes of Health
Classification: Uncertain significance for Malignant hyperthermia, susceptibility to, 1. Last evaluated: 2023-11-20. Review status: criteria provided, single submitter. Criteria: ACMG Guidelines, 2015. Collection method: clinical testing. Allele origin: germline. Inheritance: Autosomal dominant inheritance. Observed: 1 variant allele, 1 heterozygote.
Comment: This variant changes 1 nucleotide in exon 35 of the RYR1 gene, creating a premature translation stop signal. This variant is expected to result in an absent or non-functional protein product. This variant has not been reported in individuals affected with autosomal dominant malignant hyperthermia in the literature, although it has been reported in other phenotype(s) (ClinVar variation ID: 863646). This variant has been identified in 1/248962 chromosomes in the general population by the Genome Aggregation Database (gnomAD). Loss of RYR1 function due to truncation variants is not an established disease mechanism for autosomal dominant malignant hyperthermia, although it is associated with other phenotype(s). Due to insufficient evidence, this variant is classified as a Variant of Uncertain Significance for autosomal dominant malignant hyperthermia.

This study involves interpretation of variants in research participants for the purpose of population health screening. Participant phenotype was not available at the time of variant classification. Additional details can be found in publication PMID: 35346344, PMCID: PMC8962531

Color Diagnostics, LLC DBA Color Health
Classification: Uncertain significance for Malignant hyperthermia, susceptibility to, 1. Last evaluated: 2023-10-23. Review status: criteria provided, single submitter. Criteria: ACMG Guidelines, 2015. Collection method: clinical testing. Allele origin: germline.
Comment: This variant changes 1 nucleotide in exon 35 of the RYR1 gene, creating a premature translation stop signal. This variant is expected to result in an absent or non-functional protein product. This variant has not been reported in individuals affected with autosomal dominant malignant hyperthermia in the literature, although it has been reported in other phenotype(s) (ClinVar variation ID: 863646). This variant has been identified in 1/248962 chromosomes in the general population by the Genome Aggregation Database (gnomAD). Loss of RYR1 function due to truncation variants is not an established disease mechanism for autosomal dominant malignant hyperthermia, although it is associated with other phenotype(s). Due to insufficient evidence, this variant is classified as a Variant of Uncertain Significance for autosomal dominant malignant hyperthermia.

Labcorp Genetics (formerly Invitae), Labcorp
Classification: Pathogenic for RYR1-related disorder. Last evaluated: 2023-09-15. Review status: criteria provided, single submitter. Criteria: Invitae Variant Classification Sherloc (09022015). Collection method: clinical testing. Allele origin: germline.
Comment: For these reasons, this variant has been classified as Pathogenic. ClinVar contains an entry for this variant (Variation ID: 863646). This premature translational stop signal has been observed in individual(s) with autosomal recessive congenital myopathy (PMID: 22473935). This variant is present in population databases (rs781075511, gnomAD 0.004%). This sequence change creates a premature translational stop signal (p.Glu1917*) in the RYR1 gene. It is expected to result in an absent or disrupted protein product. Loss-of-function variants in RYR1 are known to be pathogenic (PMID: 23919265, 25960145, 28818389, 30611313).

Literature cited by the submitters: PubMed 22473935 (cited by Labcorp Genetics (formerly Invitae), Labcorp); PubMed 23919265 (cited by Labcorp Genetics (formerly Invitae), Labcorp); PubMed 25960145 (cited by Labcorp Genetics (formerly Invitae), Labcorp); PubMed 28818389 (cited by Labcorp Genetics (formerly Invitae), Labcorp); PubMed 30611313 (cited by Labcorp Genetics (formerly Invitae), Labcorp).